The following is an entry in ClinVar:

ClinVar aggregate classification (germline): Uncertain significance (1 of 4 stars; one submission).

Allele frequency attached by ClinVar (database versions not stated): ExAC 0.00001; gnomAD exomes 0.00001.
gnomAD v4.1: 4 of 1,597,404 alleles (0.00025%); highest among the groups gnomAD compares: Admixed American, 0.0033%; no homozygotes.

Submission:

Labcorp Genetics (formerly Invitae), Labcorp
Classification: Uncertain significance. Last evaluated: 2024-04-16. Review status: criteria provided, single submitter. Criteria: Invitae Variant Classification Sherloc (09022015). Collection method: clinical testing. Allele origin: germline.
Comment: This sequence change replaces threonine, which is neutral and polar, with isoleucine, which is neutral and non-polar, at codon 361 of the MYLK3 protein (p.Thr361Ile). This variant is present in population databases (rs755564596, gnomAD 0.0009%). This variant has not been reported in the literature in individuals affected with MYLK3-related conditions. An algorithm developed to predict the effect of missense changes on protein structure and function (PolyPhen-2) suggests that this variant is likely to be tolerated. In summary, the available evidence is currently insufficient to determine the role of this variant in disease. Therefore, it has been classified as a Variant of Uncertain Significance.

NM_182493.3(MYLK3):c.1082C>T (p.Thr361Ile)

Gene: MYLK3 (myosin light chain kinase 3; minus strand). Cytogenetic location: 16q11.2.
Variant type: single nucleotide variant.
Coding change: c.1082C>T on transcript NM_182493.3 (MANE Select); coding-DNA position 1082, C replaced by T.
Protein change: p.Thr361Ile; replaces threonine 361 with isoleucine.
Molecular consequence: missense variant.
Genome position (GRCh38, 1-based): chr16:46,732,588, G>A on the plus strand (C>T on the coding strand, the complement: MYLK3 is on the minus strand). VCF-style: chr16-46732588-G-A. GRCh37 (hg19) VCF-style: chr16-46766500-G-A.
Other names: c.59C>T, p.Thr20Ile (NM_001308301.1); short protein forms T20I, T361I.
Identifiers: ClinVar variation 2717186 (VCV002717186.3), dbSNP rs755564596, ClinGen allele CA8038077.